The following is an entry in ClinVar:

ClinVar aggregate classification (germline): Uncertain significance (1 of 4 stars; one submission).

Submission:

Labcorp Genetics (formerly Invitae), Labcorp
Classification: Uncertain significance. Last evaluated: 2022-06-24. Review status: criteria provided, single submitter. Criteria: Invitae Variant Classification Sherloc (09022015). Collection method: clinical testing. Allele origin: germline.
Comment: This variant has not been reported in the literature in individuals affected with USH2A-related conditions. In summary, the available evidence is currently insufficient to determine the role of this variant in disease. Therefore, it has been classified as a Variant of Uncertain Significance. Algorithms developed to predict the effect of missense changes on protein structure and function are either unavailable or do not agree on the potential impact of this missense change (SIFT: "Deleterious"; PolyPhen-2: "Benign"; Align-GVGD: "Class C0"). This variant is not present in population databases (gnomAD no frequency). This sequence change replaces glycine, which is neutral and non-polar, with valine, which is neutral and non-polar, at codon 3674 of the USH2A protein (p.Gly3674Val).

NM_206933.4(USH2A):c.11021G>T (p.Gly3674Val)

Gene: USH2A (usherin; minus strand). Cytogenetic location: 1q41.
Variant type: single nucleotide variant.
Coding change: c.11021G>T on transcript NM_206933.4 (MANE Select); coding-DNA position 11021, G replaced by T.
Protein change: p.Gly3674Val; replaces glycine 3674 with valine.
Molecular consequence: missense variant.
Genome position (GRCh38, 1-based): chr1:215,766,707, C>A on the plus strand (G>T on the coding strand, the complement: USH2A is on the minus strand). VCF-style: chr1-215766707-C-A. GRCh37 (hg19) VCF-style: chr1-215940049-C-A.
Other names: short protein forms G3674V.
Identifiers: ClinVar variation 2110867 (VCV002110867.4), dbSNP rs2465098021, ClinGen allele CA344826883.